The following is an entry in ClinVar:

ClinVar aggregate classification (germline): Uncertain significance. Review status: criteria provided, multiple submitters, no conflicts (2 of 4 stars). 3 submissions from 3 submitters: Uncertain significance (3). Last evaluated 2026-01-26.

Conditions:
TRPV6-related disorder. Also called: TRPV6-related condition.

gnomAD v4.1: 1,251 of 1,605,652 alleles (0.078%); highest among the groups gnomAD compares: Middle Eastern, 0.22%; no homozygotes.

Submissions (3):

Labcorp Genetics (formerly Invitae), Labcorp
Classification: Uncertain significance. Last evaluated: 2026-01-26. Review status: criteria provided, single submitter. Criteria: Invitae Variant Classification Sherloc (09022015). Collection method: clinical testing. Allele origin: germline.
Comment: This sequence change replaces threonine, which is neutral and polar, with methionine, which is neutral and non-polar, at codon 309 of the TRPV6 protein (p.Thr309Met). This variant is present in population databases (rs201899094, gnomAD 0.1%), and has an allele count higher than expected for a pathogenic variant. This missense change has been observed in individual(s) with TRPV6-related conditions (PMID: 31930989). ClinVar contains an entry for this variant (Variation ID: 3631000). Experimental studies and prediction algorithms are not available or were not evaluated, and the functional significance of this variant is currently unknown. In summary, the available evidence is currently insufficient to determine the role of this variant in disease. Therefore, it has been classified as a Variant of Uncertain Significance.

PreventionGenetics, part of Exact Sciences
Classification: Uncertain significance for TRPV6-related condition. Last evaluated: 2025-05-13. Review status: criteria provided, single submitter. Criteria: ACMG Guidelines, 2015. Collection method: clinical testing. Allele origin: germline.
Comment: The TRPV6 c.926C>T variant is predicted to result in the amino acid substitution p.Thr309Met. This variant has been reported in individuals with chronic pancreatitis but has also been found in control individuals (Masamune et al. 2020. PubMed ID: 31930989). This variant is reported in 0.11% of alleles in individuals of European (Non-Finnish) descent in gnomAD. Although we suspect that this variant may be benign, at this time, the clinical significance of this variant is uncertain due to the absence of conclusive functional and genetic evidence.

GeneDx
Classification: Uncertain significance. Last evaluated: 2025-03-19. Review status: criteria provided, single submitter. Criteria: GeneDx Variant Classification Process June 2021. Collection method: clinical testing. Allele origin: germline. Affected: yes.
Comment: In silico analysis indicates that this missense variant does not alter protein structure/function; Has not been previously published as pathogenic or benign to our knowledge

Literature cited by the submitters: PubMed 31930989 (cited by Labcorp Genetics (formerly Invitae), Labcorp).

NM_018646.6(TRPV6):c.926C>T (p.Thr309Met)

Gene: TRPV6 (transient receptor potential cation channel subfamily V member 6; minus strand). Cytogenetic location: 7q34.
Variant type: single nucleotide variant.
Coding change: c.926C>T on transcript NM_018646.6 (MANE Select); coding-DNA position 926, C replaced by T.
Protein change: p.Thr309Met; replaces threonine 309 with methionine.
Molecular consequence: missense variant.
Genome position (GRCh38, 1-based): chr7:142,875,861, G>A on the plus strand (C>T on the coding strand, the complement: TRPV6 is on the minus strand). VCF-style: chr7-142875861-G-A. GRCh37 (hg19) VCF-style: chr7-142573614-G-A.
Other names: c.926C>T (NM_018646.5); short protein forms T309M.
Identifiers: ClinVar variation 3631000 (VCV003631000.4).